The following is an entry in ClinVar:

ClinVar aggregate classification (germline): Uncertain significance. Review status: criteria provided, multiple submitters, no conflicts (2 of 4 stars). 3 submissions from 3 submitters: Uncertain significance (3). Last evaluated 2025-06-07.

Conditions:
Inborn genetic diseases. Identifiers: MedGen C0950123, MeSH D030342.
Leber congenital amaurosis 4 (LCA4). Identifiers: MedGen C1858386, MONDO:0011458, OMIM 604393.

Allele frequency attached by ClinVar (database versions not stated): gnomAD exomes below 0.00001 and 0.00001; TOPMed 0.00002.
gnomAD v4.1: 17 of 1,611,142 alleles (0.0011%); highest among the groups gnomAD compares: Non-Finnish European, 0.0014%; no homozygotes.

Submissions (3):

Ambry Genetics
Classification: Uncertain significance for Inborn genetic diseases. Last evaluated: 2025-06-07. Review status: criteria provided, single submitter. Criteria: Ambry Variant Classification Scheme 2023. Collection method: clinical testing. Allele origin: germline.

Labcorp Genetics (formerly Invitae), Labcorp
Classification: Uncertain significance for Leber congenital amaurosis 4. Last evaluated: 2022-10-13. Review status: criteria provided, single submitter. Criteria: Invitae Variant Classification Sherloc (09022015). Collection method: clinical testing. Allele origin: germline.
Comment: This sequence change replaces arginine, which is basic and polar, with tryptophan, which is neutral and slightly polar, at codon 320 of the AIPL1 protein (p.Arg320Trp). This variant is present in population databases (no rsID available, gnomAD 0.002%). This variant has not been reported in the literature in individuals affected with AIPL1-related conditions. ClinVar contains an entry for this variant (Variation ID: 1384891). Advanced modeling of protein sequence and biophysical properties (such as structural, functional, and spatial information, amino acid conservation, physicochemical variation, residue mobility, and thermodynamic stability) performed at Invitae indicates that this missense variant is not expected to disrupt AIPL1 protein function. In summary, the available evidence is currently insufficient to determine the role of this variant in disease. Therefore, it has been classified as a Variant of Uncertain Significance.

Blueprint Genetics
Classification: Uncertain significance. Last evaluated: 2021-09-13. Review status: criteria provided, single submitter. Criteria: ACMG Guidelines, 2015. Collection method: clinical testing. Allele origin: germline.

NM_014336.5(AIPL1):c.958C>T (p.Arg320Trp)

Gene: AIPL1 (AIP like 1 HSP90 co-chaperone; minus strand). Cytogenetic location: 17p13.2.
Variant type: single nucleotide variant.
Coding change: c.958C>T on transcript NM_014336.5 (MANE Select); coding-DNA position 958, C replaced by T.
Protein change: p.Arg320Trp; replaces arginine 320 with tryptophan.
Molecular consequence: missense variant. On other transcripts: 3 prime UTR variant (1).
Genome position (GRCh38, 1-based): chr17:6,425,657, G>A on the plus strand (C>T on the coding strand, the complement: AIPL1 is on the minus strand). VCF-style: chr17-6425657-G-A. GRCh37 (hg19) VCF-style: chr17-6328977-G-A.
Other names: c.769C>T, p.Arg257Trp (NM_001033054.3); c.778C>T, p.Arg260Trp (NM_001033055.3); c.922C>T, p.Arg308Trp (NM_001285399.3); c.892C>T, p.Arg298Trp (NM_001285400.3); c.886C>T, p.Arg296Trp (NM_001285401.3); c.841C>T, p.Arg281Trp (NM_001285402.2); c.*929C>T (NM_001285403.4); c.958C>T (NM_014336.3); short protein forms R257W, R298W, R296W, R320W, R260W, R281W, R308W.
Identifiers: ClinVar variation 1384891 (VCV001384891.6), dbSNP rs1445697118, ClinGen allele CA397394551.
Genomic context (GRCh38, chr17:6,425,657, plus strand): 5'-TGGGTGGCTCTGCGGGAGGCTGCGTGGCACCCTGGCTCAGCATGTTCCGGCAGCGCAGCC[G>A]CTCCTCCTCCTGCTTCTCCGCCATGCGGTTCTCCAGCAGCCTCAGCTCCCTGCGCACCGC-3'
Protein context (NP_055151.3, residues 310-330): NRMAEKQEEE[Arg320Trp]LRCRNMLSQG